The following is an entry in ClinVar:

NM_000944.5(PPP3CA):c.91G>A (p.Ala31Thr)

Gene: PPP3CA (protein phosphatase 3 catalytic subunit alpha; minus strand). Cytogenetic location: 4q24.
Variant type: single nucleotide variant.
Coding change: c.91G>A on transcript NM_000944.5 (MANE Select); coding-DNA position 91, G replaced by A.
Protein change: p.Ala31Thr; replaces alanine 31 with threonine.
Molecular consequence: missense variant.
Genome position (GRCh38, 1-based): chr4:101,196,084, C>T on the plus strand (G>A on the coding strand, the complement: PPP3CA is on the minus strand). VCF-style: chr4-101196084-C-T. GRCh37 (hg19) VCF-style: chr4-102117241-C-T.
Other names: c.91G>A, p.Ala31Thr (NM_001130691.2, NM_001130692.2); short protein forms A31T.
Identifiers: ClinVar variation 4741053 (VCV004741053.1).

ClinVar aggregate classification (germline): Uncertain significance (1 of 4 stars; one submission).

Submission:

Labcorp Genetics (formerly Invitae), Labcorp
Classification: Uncertain significance. Last evaluated: 2025-07-03. Review status: criteria provided, single submitter. Criteria: Invitae Variant Classification Sherloc (09022015). Collection method: clinical testing. Allele origin: germline.
Comment: This sequence change replaces alanine, which is neutral and non-polar, with threonine, which is neutral and polar, at codon 31 of the PPP3CA protein (p.Ala31Thr). This variant is not present in population databases (gnomAD no frequency). This variant has not been reported in the literature in individuals affected with PPP3CA-related conditions. Invitae Evidence Modeling of protein sequence and biophysical properties (such as structural, functional, and spatial information, amino acid conservation, physicochemical variation, residue mobility, and thermodynamic stability) indicates that this missense variant is not expected to disrupt PPP3CA protein function with a negative predictive value of 80%. In summary, the available evidence is currently insufficient to determine the role of this variant in disease. Therefore, it has been classified as a Variant of Uncertain Significance.